The following is an entry in ClinVar:

NM_007294.4(BRCA1):c.2504A>G (p.His835Arg)

Gene: BRCA1 (BRCA1 DNA repair associated; minus strand). Cytogenetic location: 17q21.31.
Variant type: single nucleotide variant.
Coding change: c.2504A>G on transcript NM_007294.4 (MANE Select); coding-DNA position 2504, A replaced by G.
Protein change: p.His835Arg; replaces histidine 835 with arginine.
Molecular consequence: missense variant. On other transcripts: intron variant (137).
Genome position (GRCh38, 1-based): chr17:43,093,027, T>C on the plus strand (A>G on the coding strand, the complement: BRCA1 is on the minus strand). VCF-style: chr17-43093027-T-C. GRCh37 (hg19) VCF-style: chr17-41245044-T-C.
Other names: c.2291A>G, p.His764Arg (NM_001407571.1, NM_001407853.1, NM_001407894.1 and 9 more transcripts); c.2504A>G, p.His835Arg (NM_001407581.1, NM_001407582.1, NM_001407583.1 and 30 more transcripts); c.2501A>G, p.His834Arg (NM_001407587.1, NM_001407590.1, NM_001407591.1 and 22 more transcripts); c.2495A>G, p.His832Arg (NM_001407646.1, NM_001407647.1); c.2381A>G, p.His794Arg (NM_001407648.1, NM_001407664.1, NM_001407665.1 and 19 more transcripts); c.2378A>G, p.His793Arg (NM_001407649.1, NM_001407670.1, NM_001407671.1 and 11 more transcripts); c.2426A>G, p.His809Arg (NM_001407653.1, NM_001407654.1, NM_001407655.1 and 4 more transcripts); c.2423A>G, p.His808Arg (NM_001407659.1, NM_001407660.1, NM_001407661.1 and 1 more transcripts); and 41 more; short protein forms H724R, H746R, H788R, H793R, H808R, H707R, H767R, H787R.
Identifiers: ClinVar variation 2001791 (VCV002001791.8), dbSNP rs765157365, ClinGen allele CA10596991.

ClinVar aggregate classification (germline): Conflicting classifications of pathogenicity. Review status: criteria provided, conflicting classifications (1 of 4 stars). 4 submissions from 4 submitters: Uncertain significance (3); Likely benign (1). Last evaluated 2025-10-29.

Conditions:
Hereditary breast ovarian cancer syndrome. Also called: BRCA1- and BRCA2-Associated Hereditary Breast and Ovarian Cancer; Hereditary breast and ovarian cancer syndrome (HBOC); Hereditary breast and/or ovarian cancer syndrome; Hereditary breast and ovarian cancer; Breast and ovarian cancer; Hereditary breast and ovarian cancer syndrome. Identifiers: Orphanet 145, MedGen C0677776, MeSH D061325, MONDO:0003582. Disease mechanism: loss of function.
Hereditary cancer-predisposing syndrome. Also called: Hereditary neoplastic syndrome; Hereditary Cancer Syndrome; Tumor predisposition; Neoplastic Syndromes, Hereditary. Identifiers: Orphanet 140162, MedGen C0027672, MeSH D009386, MONDO:0015356.

Allele frequency attached by ClinVar (database versions not stated): gnomAD exomes below 0.00001.
gnomAD v4.1: 4 of 1,614,020 alleles (0.00025%); highest among the groups gnomAD compares: South Asian, 0.0011%; no homozygotes.

Submissions (4):

Labcorp Genetics (formerly Invitae), Labcorp
Classification: Uncertain significance for Hereditary breast ovarian cancer syndrome. Last evaluated: 2025-10-29. Review status: criteria provided, single submitter. Criteria: Invitae Variant Classification Sherloc (09022015). Collection method: clinical testing. Allele origin: germline.
Comment: This sequence change replaces histidine, which is basic and polar, with arginine, which is basic and polar, at codon 835 of the BRCA1 protein (p.His835Arg). This variant is not present in population databases (gnomAD no frequency). This variant has not been reported in the literature in individuals affected with BRCA1-related conditions. ClinVar contains an entry for this variant (Variation ID: 2001791). Invitae Evidence Modeling of protein sequence and biophysical properties (such as structural, functional, and spatial information, amino acid conservation, physicochemical variation, residue mobility, and thermodynamic stability) indicates that this missense variant is not expected to disrupt BRCA1 protein function with a negative predictive value of 80%. In summary, the available evidence is currently insufficient to determine the role of this variant in disease. Therefore, it has been classified as a Variant of Uncertain Significance.

University of Washington Department of Laboratory Medicine, University of Washington
Classification: Likely benign for Hereditary cancer-predisposing syndrome. Last evaluated: 2023-03-23. Review status: criteria provided, single submitter. Criteria: Dines et al. (Genet Med. 2020). Collection method: curation. Allele origin: germline.
Comment: Missense variant in a coldspot region where missense variants are very unlikely to be pathogenic (PMID:31911673).

BRCA1 coldspot (exon 11 using historical exon numbering). Reclassification based on statistical prior probability

Women's Health and Genetics/Laboratory Corporation of America, LabCorp
Classification: Uncertain significance. Last evaluated: 2023-02-27. Review status: criteria provided, single submitter. Criteria: LabCorp Variant Classification Summary - May 2015. Collection method: clinical testing. Allele origin: germline.
Comment: Variant summary: BRCA1 c.2504A>G (p.His835Arg) results in a non-conservative amino acid change in the encoded protein sequence. Four of five in-silico tools predict a benign effect of the variant on protein function. The variant was absent in 251030 control chromosomes (gnomAD). The available data on variant occurrences in the general population are insufficient to allow any conclusion about variant significance. c.2504A>G has been reported in the literature in an individual affected with breast cancer (Dorling_2021, LOVD). To our knowledge, no experimental evidence demonstrating an impact on protein function has been reported. One submitter has provided a clinical-significance assessment for this variant to ClinVar after 2014, and classified the variant as uncertain significance. Based on the evidence outlined above, the variant was classified as uncertain significance.

Color Diagnostics, LLC DBA Color Health
Classification: Uncertain significance for Hereditary cancer-predisposing syndrome. Last evaluated: 2021-09-16. Review status: criteria provided, single submitter. Criteria: ACMG Guidelines, 2015. Collection method: clinical testing. Allele origin: germline.
Comment: This missense variant replaces histidine with arginine at codon 835 of the BRCA1 protein. Computational prediction suggests that this variant may not impact protein structure and function (internally defined REVEL score threshold <= 0.5, PMID: 27666373). To our knowledge, functional studies have not been reported for this variant. This variant has not been reported in individuals affected with hereditary cancer in the literature. This variant has not been identified in the general population by the Genome Aggregation Database (gnomAD). The available evidence is insufficient to determine the role of this variant in disease conclusively. Therefore, this variant is classified as a Variant of Uncertain Significance.

Literature cited by the submitters: PubMed 33471991 (cited by Women's Health and Genetics/Laboratory Corporation of America, LabCorp).